The following is an entry in ClinVar:

ClinVar aggregate classification (germline): Pathogenic. Review status: criteria provided, multiple submitters, no conflicts (2 of 4 stars). 2 submissions from 2 submitters: Pathogenic (2). Last evaluated 2021-10-09.

Conditions:
Hereditary cancer-predisposing syndrome. Also called: Neoplastic Syndromes, Hereditary; Tumor predisposition; Hereditary Cancer Syndrome; Hereditary neoplastic syndrome. Identifiers: Orphanet 140162, MedGen C0027672, MeSH D009386, MONDO:0015356.

Submissions (2):

Labcorp Genetics (formerly Invitae), Labcorp
Classification: Pathogenic for Hereditary cancer-predisposing syndrome. Last evaluated: 2021-10-09. Review status: criteria provided, single submitter. Criteria: Invitae Variant Classification Sherloc (09022015). Collection method: clinical testing. Allele origin: germline.
Comment: This sequence change creates a premature translational stop signal (p.Glu390Lysfs*4) in the RAD50 gene. It is expected to result in an absent or disrupted protein product. Loss-of-function variants in RAD50 are known to be pathogenic (PMID: 19409520). This variant is not present in population databases (ExAC no frequency). This variant has not been reported in the literature in individuals affected with RAD50-related conditions. ClinVar contains an entry for this variant (Variation ID: 233055). For these reasons, this variant has been classified as Pathogenic.

Ambry Genetics
Classification: Pathogenic for Hereditary cancer-predisposing syndrome. Last evaluated: 2017-01-16. Review status: criteria provided, single submitter. Criteria: Ambry Variant Classification Scheme 2023. Collection method: clinical testing. Allele origin: germline.
Comment: The c.1168_1169delGA pathogenic mutation, located in coding exon 8 of the RAD50 gene, results from a deletion of two nucleotides at nucleotide positions 1168 to 1169, causing a translational frameshift with a predicted alternate stop codon (p.E390Kfs*4). This alteration is expected to result in loss of function by premature protein truncation or nonsense-mediated mRNA decay. As such, this alteration is interpreted as a disease-causing mutation.

Literature cited by the submitters: PubMed 19409520 (cited by Labcorp Genetics (formerly Invitae), Labcorp).

NM_005732.4(RAD50):c.1168_1169del (p.Glu390fs)

Gene: RAD50 (RAD50 double strand break repair protein; plus strand). Cytogenetic location: 5q31.1.
Variant type: Deletion.
Coding change: c.1168_1169del on transcript NM_005732.4 (MANE Select); coding-DNA positions 1168 to 1169, 2 bases deleted (GA; older notation c.1168_1169delGA).
Protein change: p.Glu390fs; shifts the reading frame from glutamic acid 390.
Molecular consequence: frameshift variant.
Genome position (GRCh38, 1-based): chr5:132,588,803-132,588,804, GA deleted. VCF-style (leftmost placement, unchanged base first): chr5-132588802-TGA-T. GRCh37 (hg19) VCF-style: chr5-131924494-TGA-T.
Other names: short protein forms E390fs.
Identifiers: ClinVar variation 233055 (VCV000233055.12), dbSNP rs876660160, ClinGen allele CA10578515.
Genomic context (GRCh38, chr5:132,588,802, plus strand): 5'-ATTAATTCAGTCTTTGGCAACACAGCTAGAATTGGATGGCTTTGAGCGTGGACCATTCAG[TGA>T]AAGACAGATTAAAAATTTTCACAAACTTGTGAGAGAGAGACAAGAAGGGGAAGCAAAAAC-3'